The following is an entry in ClinVar:

NM_004304.5(ALK):c.1496C>T (p.Pro499Leu)

Gene: ALK (ALK receptor tyrosine kinase; minus strand). Cytogenetic location: 2p23.2.
Variant type: single nucleotide variant.
Coding change: c.1496C>T on transcript NM_004304.5 (MANE Select); coding-DNA position 1496, C replaced by T.
Protein change: p.Pro499Leu; replaces proline 499 with leucine.
Molecular consequence: missense variant.
Genome position (GRCh38, 1-based): chr2:29,320,801, G>A on the plus strand (C>T on the coding strand, the complement: ALK is on the minus strand). VCF-style: chr2-29320801-G-A. GRCh37 (hg19) VCF-style: chr2-29543667-G-A.
Other names: short protein forms P499L.
Identifiers: ClinVar variation 570555 (VCV000570555.11), dbSNP rs1558669753, ClinGen allele CA346472366.

ClinVar aggregate classification (germline): Uncertain significance. Review status: criteria provided, multiple submitters, no conflicts (2 of 4 stars). 2 submissions from 2 submitters: Uncertain significance (2). Last evaluated 2025-12-26.

Conditions:
Hereditary cancer-predisposing syndrome. Also called: Hereditary neoplastic syndrome; Neoplastic Syndromes, Hereditary; Hereditary Cancer Syndrome; Tumor predisposition. Identifiers: Orphanet 140162, MedGen C0027672, MeSH D009386, MONDO:0015356.
Neuroblastoma, susceptibility to, 3. Also called: ALK-Related Neuroblastic Tumor Susceptibility. Identifiers: Orphanet 635, MedGen C2751681, MONDO:0013083, OMIM 613014.

Submissions (2):

Labcorp Genetics (formerly Invitae), Labcorp
Classification: Uncertain significance for Neuroblastoma, susceptibility to, 3. Last evaluated: 2025-12-26. Review status: criteria provided, single submitter. Criteria: Invitae Variant Classification Sherloc (09022015). Collection method: clinical testing. Allele origin: germline.
Comment: This sequence change replaces proline, which is neutral and non-polar, with leucine, which is neutral and non-polar, at codon 499 of the ALK protein (p.Pro499Leu). This variant is not present in population databases (gnomAD no frequency). This variant has not been reported in the literature in individuals affected with ALK-related conditions. ClinVar contains an entry for this variant (Variation ID: 570555). An algorithm developed to predict the effect of missense changes on protein structure and function (PolyPhen-2) suggests that this variant is likely to be tolerated. In summary, the available evidence is currently insufficient to determine the role of this variant in disease. Therefore, it has been classified as a Variant of Uncertain Significance.

Ambry Genetics
Classification: Uncertain significance for Hereditary cancer-predisposing syndrome. Last evaluated: 2022-08-16. Review status: criteria provided, single submitter. Criteria: Ambry Variant Classification Scheme 2023. Collection method: clinical testing. Allele origin: germline.
Comment: The p.P499L variant (also known as c.1496C>T), located in coding exon 7 of the ALK gene, results from a C to T substitution at nucleotide position 1496. The proline at codon 499 is replaced by leucine, an amino acid with similar properties. This amino acid position is conserved. In addition, this alteration is predicted to be tolerated by in silico analysis. Since supporting evidence is limited at this time, the clinical significance of this alteration remains unclear.